The following is an entry in ClinVar:

ClinVar aggregate classification (germline): Uncertain significance. Review status: criteria provided, multiple submitters, no conflicts (2 of 4 stars). 2 submissions from 2 submitters: Uncertain significance (2). Last evaluated 2024-04-12.

Conditions:
Hereditary cancer-predisposing syndrome. Also called: Neoplastic Syndromes, Hereditary; Hereditary Cancer Syndrome; Hereditary neoplastic syndrome; Tumor predisposition. Identifiers: Orphanet 140162, MedGen C0027672, MeSH D009386, MONDO:0015356.
Rhabdoid tumor predisposition syndrome 2 (RTPS2). Identifiers: Orphanet 231108, Orphanet 69077, MedGen C2750074, MONDO:0013224, OMIM 613325.

Submissions (2):

Ambry Genetics
Classification: Uncertain significance for Hereditary cancer-predisposing syndrome. Last evaluated: 2024-04-12. Review status: criteria provided, single submitter. Criteria: Ambry Variant Classification Scheme 2023. Collection method: clinical testing. Allele origin: germline.
Comment: The p.Q118H variant (also known as c.354A>C), located in coding exon 2 of the SMARCA4 gene, results from an A to C substitution at nucleotide position 354. The glutamine at codon 118 is replaced by histidine, an amino acid with highly similar properties. This amino acid position is highly conserved in available vertebrate species. In addition, the in silico prediction for this alteration is inconclusive. Based on the available evidence, the clinical significance of this variant remains unclear.

Labcorp Genetics (formerly Invitae), Labcorp
Classification: Uncertain significance for Rhabdoid tumor predisposition syndrome 2. Last evaluated: 2020-10-20. Review status: criteria provided, single submitter. Criteria: Invitae Variant Classification Sherloc (09022015). Collection method: clinical testing. Allele origin: germline.
Comment: In summary, the available evidence is currently insufficient to determine the role of this variant in disease. Therefore, it has been classified as a Variant of Uncertain Significance. Algorithms developed to predict the effect of sequence changes on RNA splicing suggest that this variant may disrupt the consensus splice site, but this prediction has not been confirmed by published transcriptional studies. Algorithms developed to predict the effect of missense changes on protein structure and function are either unavailable or do not agree on the potential impact of this missense change (SIFT: "Deleterious"; PolyPhen-2: "Probably Damaging"; Align-GVGD: "Class C15"). This variant has not been reported in the literature in individuals with SMARCA4-related conditions. This variant is not present in population databases (ExAC no frequency). This sequence change replaces glutamine with histidine at codon 118 of the SMARCA4 protein (p.Gln118His). The glutamine residue is highly conserved and there is a small physicochemical difference between glutamine and histidine.

NM_003072.5(SMARCA4):c.354A>C (p.Gln118His)

Gene: SMARCA4 (SWI/SNF related BAF chromatin remodeling complex subunit ATPase 4; plus strand). Cytogenetic location: 19p13.2.
Variant type: single nucleotide variant.
Coding change: c.354A>C on transcript NM_003072.5 (MANE Select); coding-DNA position 354, A replaced by C.
Protein change: p.Gln118His; replaces glutamine 118 with histidine.
Molecular consequence: missense variant. On other transcripts: non-coding transcript variant (1).
Genome position (GRCh38, 1-based): chr19:10,985,404, A>C. VCF-style: chr19-10985404-A-C. GRCh37 (hg19) VCF-style: chr19-11096080-A-C.
Other names: c.354A>C (NM_001128849.1); c.354A>C, p.Gln118His (NM_001128844.3, NM_001128845.2, NM_001128846.2 and 5 more transcripts); short protein forms Q118H.
Identifiers: ClinVar variation 1060667 (VCV001060667.10), dbSNP rs1329881837, ClinGen allele CA404055422.